The following is an entry in ClinVar:

NM_025137.4(SPG11):c.668-1G>T

Gene: SPG11 (SPG11 vesicle trafficking associated, spatacsin; minus strand). Cytogenetic location: 15q21.1.
Variant type: single nucleotide variant.
Coding change: c.668-1G>T on transcript NM_025137.4 (MANE Select); the canonical splice acceptor site of the intron before coding-DNA position 668, G replaced by T.
Molecular consequence: splice acceptor variant.
Genome position (GRCh38, 1-based): chr15:44,657,297, C>A on the plus strand (G>T on the coding strand, the complement: SPG11 is on the minus strand). VCF-style: chr15-44657297-C-A. GRCh37 (hg19) VCF-style: chr15-44949495-C-A.
Other names: c.668-1G>T (NM_001411132.1, NM_001160227.2).
Identifiers: ClinVar variation 1503903 (VCV001503903.8), dbSNP rs2141121333, ClinGen allele CA392237551.
Genomic context (GRCh38, chr15:44,657,297, plus strand): 5'-CTTTGTGAAGTGCTAAATCCACATGAGCTACATATGTACCATCCACAACATCAAAAATGT[C>A]TTTTAGTTAGAGTTAAAAGAAAATGCCAGTTTTGTAAGTATGCCTAACTATTTAAAGCAC-3'

ClinVar aggregate classification (germline): Likely pathogenic (1 of 4 stars; one submission).

Conditions:
Hereditary spastic paraplegia 11. Also called: SPASTIC PARAPLEGIA, AUTOSOMAL RECESSIVE, COMPLICATED, WITH THIN CORPUS CALLOSUM; SPASTIC PARAPLEGIA, AUTOSOMAL RECESSIVE, WITH MENTAL IMPAIRMENT AND THIN CORPUS CALLOSUM; Spastic paraplegia, mental retardation and thin corpus callosum; Nakamura Osame syndrome; Autosomal recessive hereditary spastic paraplegia, mental impairment, and thin corpus callosum; Spastic Paraplegia 11. Identifiers: Orphanet 2822, MedGen C1858479, MONDO:0011445, OMIM 604360.

Submission:

Labcorp Genetics (formerly Invitae), Labcorp
Classification: Likely pathogenic for Hereditary spastic paraplegia 11. Last evaluated: 2022-08-23. Review status: criteria provided, single submitter. Criteria: Invitae Variant Classification Sherloc (09022015). Collection method: clinical testing. Allele origin: germline.
Comment: This sequence change affects an acceptor splice site in intron 3 of the SPG11 gene. It is expected to disrupt RNA splicing. Variants that disrupt the donor or acceptor splice site typically lead to a loss of protein function (PMID: 16199547), and loss-of-function variants in SPG11 are known to be pathogenic (PMID: 19105190, 20110243, 22154821, 26556829). In summary, the currently available evidence indicates that the variant is pathogenic, but additional data are needed to prove that conclusively. Therefore, this variant has been classified as Likely Pathogenic. Algorithms developed to predict the effect of sequence changes on RNA splicing suggest that this variant may disrupt the consensus splice site. ClinVar contains an entry for this variant (Variation ID: 1503903). This variant has not been reported in the literature in individuals affected with SPG11-related conditions. This variant is not present in population databases (gnomAD no frequency).

Literature cited by the submitters: PubMed 16199547; PubMed 19105190; PubMed 20110243; PubMed 22154821; PubMed 26556829.